The following is an entry in ClinVar:

NM_016035.5(COQ4):c.356C>T (p.Pro119Leu)

Gene: COQ4 (coenzyme Q4; plus strand). Cytogenetic location: 9q34.11.
Variant type: single nucleotide variant.
Coding change: c.356C>T on transcript NM_016035.5 (MANE Select); coding-DNA position 356, C replaced by T.
Protein change: p.Pro119Leu; replaces proline 119 with leucine.
Molecular consequence: missense variant.
Genome position (GRCh38, 1-based): chr9:128,325,835, C>T. VCF-style: chr9-128325835-C-T. GRCh37 (hg19) VCF-style: chr9-131088114-C-T.
Other names: c.259C>T, p.Arg87Trp (NM_001305942.2); short protein forms P119L, R87W.
Identifiers: ClinVar variation 383650 (VCV000383650.10), dbSNP rs773943371, ClinGen allele CA5260526.

ClinVar aggregate classification (germline): Conflicting classifications of pathogenicity. Review status: criteria provided, conflicting classifications (1 of 4 stars). 3 submissions from 3 submitters: Likely pathogenic (1); Uncertain significance (2). Last evaluated 2026-04-21.

Conditions:
Neonatal encephalomyopathy-cardiomyopathy-respiratory distress syndrome. Also called: Coenzyme Q10 deficiency, primary, 7. Identifiers: Orphanet 457185, MedGen C5568562, MONDO:0014562, OMIM 616276.

Allele frequency attached by ClinVar (database versions not stated): ExAC 0.00001; gnomAD 0.00001; gnomAD exomes 0.00001; TOPMed 0.00004.

Submissions (3):

Women's Health and Genetics/Laboratory Corporation of America, LabCorp
Classification: Uncertain significance. Last evaluated: 2026-04-21. Review status: criteria provided, single submitter. Criteria: LabCorp Variant Classification Summary - May 2015. Collection method: clinical testing. Allele origin: germline.
Comment: Variant summary: COQ4 c.356C>T (p.Pro119Leu) results in a non-conservative amino acid change in the encoded protein sequence. Algorithms developed to predict the effect of missense changes on protein structure and function all suggest that this variant is likely to be disruptive. The variant allele was found at a frequency of 1.2e-05 in 251424 control chromosomes. The available data on variant occurrences in the general population are insufficient to allow any conclusion about variant significance. c.356C>T has been observed in an individual affected with Neonatal Encephalomyopathy-Cardiomyopathy Distress Syndrome where it was found in cis with c.331G>T (p.Asp111Tyr) and in trans with a pathogenic variant (Sondheimer_2017). This report does not provide unequivocal conclusions about association of the variant with Neonatal Encephalomyopathy-Cardiomyopathy Distress Syndrome. To our knowledge, no experimental evidence demonstrating an impact on protein function has been reported. The following publication have been ascertained in the context of this evaluation (PMID: 28540186). ClinVar contains an entry for this variant (Variation ID: 383650). Based on the evidence outlined above, the variant was classified as uncertain significance.

Labcorp Genetics (formerly Invitae), Labcorp
Classification: Uncertain significance for Neonatal encephalomyopathy-cardiomyopathy-respiratory distress syndrome. Last evaluated: 2024-04-27. Review status: criteria provided, single submitter. Criteria: Invitae Variant Classification Sherloc (09022015). Collection method: clinical testing. Allele origin: germline.
Comment: This sequence change replaces proline, which is neutral and non-polar, with leucine, which is neutral and non-polar, at codon 119 of the COQ4 protein (p.Pro119Leu). This variant is present in population databases (rs773943371, gnomAD 0.02%). This missense change has been observed in individual(s) with coenzyme Q10 deficiency (PMID: 28540186). In at least one individual the data is consistent with being in trans (on the opposite chromosome) from a pathogenic variant. ClinVar contains an entry for this variant (Variation ID: 383650). Advanced modeling of protein sequence and biophysical properties (such as structural, functional, and spatial information, amino acid conservation, physicochemical variation, residue mobility, and thermodynamic stability) has been performed at Invitae for this missense variant, however the output from this modeling did not meet the statistical confidence thresholds required to predict the impact of this variant on COQ4 protein function. In summary, the available evidence is currently insufficient to determine the role of this variant in disease. Therefore, it has been classified as a Variant of Uncertain Significance.

GeneDx
Classification: Likely pathogenic. Last evaluated: 2017-03-09. Review status: criteria provided, single submitter. Criteria: GeneDx Variant Classification (06012015). Collection method: clinical testing. Allele origin: germline. Affected: yes.
Comment: The P119L variant has not been published as a pathogenic variant, nor has it been reported as a benign variant to our knowledge. The P119L variant is not observed at a significant frequency in large population cohorts (Lek et al., 2016; 1000 Genomes Consortium et al., 2015; Exome Variant Server). The P119L variant is a semi-conservative amino acid substitution, which may impact secondary protein structure as these residues differ in some properties. This substitution occurs at a position that is conserved across species, and in silico analysis predicts this variant is probably damaging to the protein structure/function. In summary, we interpret P119L to be a likely pathogenic variant.

Literature cited by the submitters: PubMed 28540186 (cited by Women's Health and Genetics/Laboratory Corporation of America, LabCorp and Labcorp Genetics (formerly Invitae), Labcorp).